The following is an entry in ClinVar:

NM_024675.4(PALB2):c.2411C>G (p.Ser804Cys)

Gene: PALB2 (partner and localizer of BRCA2; minus strand). Cytogenetic location: 16p12.2.
Variant type: single nucleotide variant.
Coding change: c.2411C>G on transcript NM_024675.4 (MANE Select); coding-DNA position 2411, C replaced by G.
Protein change: p.Ser804Cys; replaces serine 804 with cysteine.
Molecular consequence: missense variant.
Genome position (GRCh38, 1-based): chr16:23,629,743, G>C on the plus strand (C>G on the coding strand, the complement: PALB2 is on the minus strand). VCF-style: chr16-23629743-G-C. GRCh37 (hg19) VCF-style: chr16-23641064-G-C.
Other names: short protein forms S804C.
Identifiers: ClinVar variation 460940 (VCV000460940.15), dbSNP rs149836639, ClinGen allele CA7963583.
Genomic context (GRCh38, chr16:23,629,743, plus strand): 5'-CAGAGCTGATTTTCTTTAAAAGTGAATGACTCAATGGGTGGAGGTGTTCCTGGCGGGACA[G>C]AGTCACAGTCACAGGTAGGTTGTCCTTGCCTGCCTGACACTTGCAGGGTGGTATGTGGTT-3'
Protein context (NP_078951.2, residues 794-814): RQGQPTCDCD[Ser804Cys]VPPGTPPPIE

ClinVar aggregate classification (germline): Uncertain significance. Review status: criteria provided, multiple submitters, no conflicts (2 of 4 stars). 2 submissions from 2 submitters: Uncertain significance (2). Last evaluated 2025-03-26.

Conditions:
Hereditary cancer-predisposing syndrome. Also called: Neoplastic Syndromes, Hereditary; Hereditary Cancer Syndrome; Hereditary neoplastic syndrome; Tumor predisposition. Identifiers: Orphanet 140162, MedGen C0027672, MeSH D009386, MONDO:0015356.
Familial cancer of breast. Also called: BREAST CANCER, FAMILIAL; Hereditary breast cancer; hereditary breast carcinoma. Identifiers: Orphanet 227535, MedGen C0346153, MONDO:0016419, OMIM 114480. Disease mechanism: loss of function.

Allele frequency attached by ClinVar (database versions not stated): 1000 Genomes Project 30x 0.00016; 1000 Genomes Project 0.00020.
gnomAD v4.1: 6 of 1,614,216 alleles (0.00037%); highest among the groups gnomAD compares: South Asian, 0.0022%; no homozygotes.

Submissions (2):

Labcorp Genetics (formerly Invitae), Labcorp
Classification: Uncertain significance for Familial cancer of breast. Last evaluated: 2025-03-26. Review status: criteria provided, single submitter. Criteria: Invitae Variant Classification Sherloc (09022015). Collection method: clinical testing. Allele origin: germline.
Comment: This sequence change replaces serine, which is neutral and polar, with cysteine, which is neutral and slightly polar, at codon 804 of the PALB2 protein (p.Ser804Cys). This variant is present in population databases (rs149836639, gnomAD 0.003%). This variant has not been reported in the literature in individuals affected with PALB2-related conditions. ClinVar contains an entry for this variant (Variation ID: 460940). Invitae Evidence Modeling of protein sequence and biophysical properties (such as structural, functional, and spatial information, amino acid conservation, physicochemical variation, residue mobility, and thermodynamic stability) indicates that this missense variant is not expected to disrupt PALB2 protein function with a negative predictive value of 80%. In summary, the available evidence is currently insufficient to determine the role of this variant in disease. Therefore, it has been classified as a Variant of Uncertain Significance.

Ambry Genetics
Classification: Uncertain significance for Hereditary cancer-predisposing syndrome. Last evaluated: 2024-10-19. Review status: criteria provided, single submitter. Criteria: Ambry Variant Classification Scheme 2023. Collection method: clinical testing. Allele origin: germline.
Comment: The p.S804C variant (also known as c.2411C>G), located in coding exon 5 of the PALB2 gene, results from a C to G substitution at nucleotide position 2411. The serine at codon 804 is replaced by cysteine, an amino acid with dissimilar properties. This amino acid position is not well conserved in available vertebrate species. In addition, this alteration is predicted to be tolerated by in silico analysis. Since supporting evidence is limited at this time, the clinical significance of this alteration remains unclear.